The following is an entry in ClinVar:

ClinVar aggregate classification (germline): Uncertain significance. Review status: criteria provided, multiple submitters, no conflicts (2 of 4 stars). 2 submissions from 2 submitters: Uncertain significance (2). Last evaluated 2021-09-17.

Conditions:
Inborn genetic diseases. Identifiers: MedGen C0950123, MeSH D030342.
Salla disease (SD). Also called: Less Severe FSASD (Salla Disease); Sialuria, Finnish type; N-acetylneuraminic acid (NANA) storage disease (NSD); Infantile sialic acid storage disorder (ISSD). Identifiers: Orphanet 309334, Orphanet 834, MedGen C1096903, MONDO:0011449, OMIM 604369.

Allele frequency attached by ClinVar (database versions not stated): TOPMed 0.00001; ExAC 0.00003; gnomAD exomes 0.00004.
gnomAD v4.1: 9 of 1,612,008 alleles (0.00056%); highest among the groups gnomAD compares: Admixed American, 0.015%; no homozygotes.

Submissions (2):

Labcorp Genetics (formerly Invitae), Labcorp
Classification: Uncertain significance for Salla disease. Last evaluated: 2021-09-17. Review status: criteria provided, single submitter. Criteria: Invitae Variant Classification Sherloc (09022015). Collection method: clinical testing. Allele origin: germline.
Comment: This sequence change replaces leucine with valine at codon 216 of the SLC17A5 protein (p.Leu216Val). The leucine residue is highly conserved and there is a small physicochemical difference between leucine and valine. This variant is present in population databases (rs781359811, ExAC 0.03%). This variant has not been reported in the literature in individuals with SLC17A5-related conditions. Algorithms developed to predict the effect of missense changes on protein structure and function are either unavailable or do not agree on the potential impact of this missense change (SIFT: "Deleterious"; PolyPhen-2: "Benign"; Align-GVGD: "Class C25"). In summary, the available evidence is currently insufficient to determine the role of this variant in disease. Therefore, it has been classified as a Variant of Uncertain Significance.

Ambry Genetics
Classification: Uncertain significance for Inborn genetic diseases. Last evaluated: 2021-04-28. Review status: criteria provided, single submitter. Criteria: Ambry Variant Classification Scheme 2023. Collection method: clinical testing. Allele origin: germline.
Comment: The c.646C>G (p.L216V) alteration is located in exon 5 (coding exon 5) of the SLC17A5 gene. This alteration results from a C to G substitution at nucleotide position 646, causing the leucine (L) at amino acid position 216 to be replaced by a valine (V). The p.L216V alteration is predicted to be tolerated by in silico analysis. Based on insufficient or conflicting evidence, the clinical significance of this alteration remains unclear.

NM_012434.5(SLC17A5):c.646C>G (p.Leu216Val)

Gene: SLC17A5 (solute carrier family 17 member 5; minus strand). Cytogenetic location: 6q13.
Variant type: single nucleotide variant.
Coding change: c.646C>G on transcript NM_012434.5 (MANE Select); coding-DNA position 646, C replaced by G.
Protein change: p.Leu216Val; replaces leucine 216 with valine.
Molecular consequence: missense variant. On other transcripts: intron variant (2).
Genome position (GRCh38, 1-based): chr6:73,636,675, G>C on the plus strand (C>G on the coding strand, the complement: SLC17A5 is on the minus strand). VCF-style: chr6-73636675-G-C. GRCh37 (hg19) VCF-style: chr6-74346398-G-C.
Other names: c.646C>G (NM_012434.4); c.415C>G, p.Leu139Val (NM_001382629.1); c.646C>G, p.Leu216Val (NM_001382630.1, NM_001382633.1, NM_001382634.1); c.667C>G, p.Leu223Val (NM_001382631.1); c.643C>G, p.Leu215Val (NM_001382635.1); c.383-1175C>G (NM_001382636.1); c.614-1175C>G (NM_001382632.1); short protein forms L215V, L139V, L216V, L223V.
Identifiers: ClinVar variation 1425979 (VCV001425979.6), dbSNP rs781359811, ClinGen allele CA3890475.